The following is an entry in ClinVar:

NM_001376.5(DYNC1H1):c.2029G>T (p.Val677Leu)

Gene: DYNC1H1 (dynein cytoplasmic 1 heavy chain 1; plus strand). Cytogenetic location: 14q32.31.
Variant type: single nucleotide variant.
Coding change: c.2029G>T on transcript NM_001376.5 (MANE Select); coding-DNA position 2029, G replaced by T.
Protein change: p.Val677Leu; replaces valine 677 with leucine.
Molecular consequence: missense variant.
Genome position (GRCh38, 1-based): chr14:101,986,254, G>T. VCF-style: chr14-101986254-G-T. GRCh37 (hg19) VCF-style: chr14-102452591-G-T.
Other names: short protein forms V677L.
Identifiers: ClinVar variation 1304517 (VCV001304517.2), dbSNP rs563050462, ClinGen allele CA391020356.

ClinVar aggregate classification (germline): Uncertain significance (1 of 4 stars; one submission).

gnomAD v4.1: 2 of 1,614,054 alleles (0.00012%); highest among the groups gnomAD compares: South Asian, 0.0011%; no homozygotes.

Submission:

GeneDx
Classification: Uncertain significance. Last evaluated: 2019-01-23. Review status: criteria provided, single submitter. Criteria: GeneDx Variant Classification Process June 2021. Collection method: clinical testing. Allele origin: germline. Affected: yes.
Comment: In silico analysis, which includes protein predictors and evolutionary conservation, supports that this variant does not alter protein structure/function